The following is an entry in ClinVar:

NM_004444.5(EPHB4):c.2605C>T (p.Gln869Ter)

Genes: EPHB4 (EPH receptor B4; minus strand), LOC126860124 (CDK7 strongly-dependent group 2 enhancer GRCh37_chr7:100403701-100404900; plus strand). Cytogenetic location: 7q22.1.
Variant type: single nucleotide variant.
Coding change: c.2605C>T on transcript NM_004444.5 (MANE Select); coding-DNA position 2605, C replaced by T.
Protein change: p.Gln869Ter; replaces glutamine 869 with a stop codon.
Molecular consequence: nonsense.
Genome position (GRCh38, 1-based): chr7:100,805,574, G>A on the plus strand (C>T on the coding strand, the complement: EPHB4 is on the minus strand). VCF-style: chr7-100805574-G-A. GRCh37 (hg19) VCF-style: chr7-100403196-G-A.
Other names: short protein forms Q869*.
Identifiers: ClinVar variation 5038265 (VCV005038265.1).

ClinVar aggregate classification (germline): Pathogenic (1 of 4 stars; one submission).

Conditions:
Vascular skin disorders.

gnomAD v4.1: 1 of 1,547,622 alleles (0.000065%); highest among the groups gnomAD compares: South Asian, 0.0012%; no homozygotes.

Submission:

Genetics Laboratory, Great Ormond Street Hospital NHS Foundation Trust, North Thames Genomic Laboratory Hub
Classification: Pathogenic for Vascular skin disorders. Last evaluated: 2026-09-02. Review status: criteria provided, single submitter. Criteria: ACGS Best Practice Guidelines for Variant Classification in Rare Disease 2024 v1.2. Collection method: clinical testing. Allele origin: germline. Affected: yes.
Comment: PM2_moderate, PVS1_very-strong